The following is an entry in ClinVar:

ClinVar aggregate classification (germline): Likely benign. Review status: criteria provided, multiple submitters, no conflicts (2 of 4 stars). 2 submissions from 2 submitters: Likely benign (2). Last evaluated 2025-03-01.

Allele frequency attached by ClinVar (database versions not stated): gnomAD 0.00001; gnomAD exomes 0.00001; ESP Exome Variant Server 0.00008.
gnomAD v4.1: 8 of 1,583,538 alleles (0.00051%); highest among the groups gnomAD compares: Non-Finnish European, 0.00069%; no homozygotes.

Submissions (2):

CeGaT Center for Human Genetics Tuebingen
Classification: Likely benign. Last evaluated: 2025-03-01. Review status: criteria provided, single submitter. Criteria: CeGaT Center For Human Genetics Tuebingen Variant Classification Criteria Version 2. Collection method: clinical testing. Allele origin: germline. Affected: yes. Observed: 1 variant allele.
Comment: CACNA1B: BP4, BP7

Labcorp Genetics (formerly Invitae), Labcorp
Classification: Likely benign. Last evaluated: 2024-11-06. Review status: criteria provided, single submitter. Criteria: Invitae Variant Classification Sherloc (09022015). Collection method: clinical testing. Allele origin: germline.

NM_000718.4(CACNA1B):c.5559G>A (p.Lys1853=)

Gene: CACNA1B (calcium voltage-gated channel subunit alpha1 B; plus strand). Cytogenetic location: 9q34.3.
Variant type: single nucleotide variant.
Coding change: c.5559G>A on transcript NM_000718.4 (MANE Select); coding-DNA position 5559, G replaced by A.
Protein change: p.Lys1853=; no amino-acid change (lysine 1853 retained).
Molecular consequence: synonymous variant.
Genome position (GRCh38, 1-based): chr9:138,114,400, G>A. VCF-style: chr9-138114400-G-A. GRCh37 (hg19) VCF-style: chr9-141008852-G-A.
Other names: c.5559G>A, p.Lys1853= (NM_001243812.2).
Identifiers: ClinVar variation 2135133 (VCV002135133.11), dbSNP rs202088039, ClinGen allele CA201871117.